The following is an entry in ClinVar:

ClinVar aggregate classification (germline): Pathogenic/Likely pathogenic. Review status: criteria provided, multiple submitters, no conflicts (2 of 4 stars). 3 submissions from 3 submitters: Pathogenic (1); Likely pathogenic (2). Last evaluated 2024-04-25.

Conditions:
Fanconi anemia complementation group I (FANCI). Also called: FANCI-Related Fanconi Anemia. Identifiers: Orphanet 84, MedGen C1836861, MONDO:0012186, OMIM 609053.
FANCI-related disorders.
Fanconi anemia (FA). Also called: Fanconi's anemia. Identifiers: Orphanet 84, MedGen C0015625, MeSH D005199, MONDO:0019391.

Submissions (3):

Fulgent Genetics
Classification: Likely pathogenic for Fanconi anemia complementation group I. Last evaluated: 2024-04-25. Review status: criteria provided, single submitter. Criteria: ACMG Guidelines, 2015. Collection method: clinical testing. Allele origin: germline.

Labcorp Genetics (formerly Invitae), Labcorp
Classification: Pathogenic for Fanconi anemia. Last evaluated: 2023-04-15. Review status: criteria provided, single submitter. Criteria: Invitae Variant Classification Sherloc (09022015). Collection method: clinical testing. Allele origin: germline.
Comment: This sequence change creates a premature translational stop signal (p.Leu627Hisfs*3) in the FANCI gene. It is expected to result in an absent or disrupted protein product. Loss-of-function variants in FANCI are known to be pathogenic (PMID: 17452773, 17460694). This variant is present in population databases (rs748003452, gnomAD 0.007%). For these reasons, this variant has been classified as Pathogenic. This premature translational stop signal has been observed in individual(s) with uterine corpus endometrial carcinoma (PMID: 29625052).

Blueprint Genetics
Classification: Likely pathogenic for FANCI-related disorders. Last evaluated: 2019-12-04. Review status: criteria provided, single submitter. Criteria: ACMG Guidelines, 2015. Collection method: clinical testing. Allele origin: germline. Affected: yes. Observed: 1 variant allele.

Literature cited by the submitters: PubMed 17452773 (cited by Labcorp Genetics (formerly Invitae), Labcorp); PubMed 17460694 (cited by Labcorp Genetics (formerly Invitae), Labcorp); PubMed 29625052 (cited by Labcorp Genetics (formerly Invitae), Labcorp).

NM_001113378.2(FANCI):c.1880_1886del (p.Leu627fs)

Gene: FANCI (FA complementation group I; plus strand). Cytogenetic location: 15q26.1.
Variant type: Deletion.
Coding change: c.1880_1886del on transcript NM_001113378.2 (MANE Select); coding-DNA positions 1880 to 1886, 7 bases deleted (TGCTCTC; older notation c.1880_1886delTGCTCTC).
Protein change: p.Leu627fs; shifts the reading frame from leucine 627.
Molecular consequence: frameshift variant.
Genome position (GRCh38, 1-based): chr15:89,290,271-89,290,277, TGCTCTC deleted; deleting any 7 consecutive bases within chr15:89,290,268-89,290,277 gives the same sequence; the c. name uses the placement nearest the transcript's 3' end. VCF-style (leftmost placement, unchanged base first): chr15-89290267-ACTCTGCT-A. GRCh37 (hg19) VCF-style: chr15-89833498-ACTCTGCT-A.
Other names: c.1601_1607del, p.Leu534fs (NM_001376910.1); c.1880_1886del, p.Leu627fs (NM_001376911.1, NM_018193.3); short protein forms L534fs, L627fs.
Identifiers: ClinVar variation 2749119 (VCV002749119.5), dbSNP rs748003452, ClinGen allele CA7723189.